The following is an entry in ClinVar:

NM_006876.3(B4GAT1):c.1179_1181del (p.Asn393del)

Gene: B4GAT1 (beta-1,4-glucuronyltransferase 1; minus strand). Cytogenetic location: 11q13.2.
Variant type: Deletion.
Coding change: c.1179_1181del on transcript NM_006876.3 (MANE Select); coding-DNA positions 1179 to 1181, 3 bases deleted (TAA; older notation c.1179_1181delTAA).
Protein change: p.Asn393del; deletes asparagine 393.
Molecular consequence: inframe deletion.
Genome position (GRCh38, 1-based): chr11:66,346,116-66,346,118, TTA deleted on the plus strand (TAA on the coding strand, the reverse complement: B4GAT1 is on the minus strand); deleting any 3 consecutive bases within chr11:66,346,116-66,346,120 gives the same sequence; the c. name uses the placement nearest the transcript's 3' end. VCF-style (leftmost placement, unchanged base first): chr11-66346115-CTTA-C. GRCh37 (hg19) VCF-style: chr11-66113586-CTTA-C.
Other names: short protein forms N393del.
Identifiers: ClinVar variation 503771 (VCV000503771.2), dbSNP rs1555016276, ClinGen allele CA658797681.

ClinVar aggregate classification (germline): Likely pathogenic (1 of 4 stars; one submission).

Submission:

GeneDx
Classification: Likely pathogenic. Last evaluated: 2017-07-25. Review status: criteria provided, single submitter. Criteria: GeneDx Variant Classification (06012015). Collection method: clinical testing. Allele origin: germline. Affected: yes.
Comment: The c.1177_1179delAAT variant has not been published as a pathogenic variant, nor has it been reported as a benign variant to our knowledge. This variant is not observed in large population cohorts (Lek et al., 2016). The c.1177_1179delAAT variant results in an in-frame deletion of a single Asparagine residue, denoted p.Asn393del. In silico analysis predicts this variant is probably damaging to the protein structure/function. However, other in-frame deletions variants have not been reported in the Human Gene Mutation Database in association with Walker-Warburg syndrome (Stenson et al., 2014).